The following is an entry in ClinVar:

NM_033124.5(DRC2):c.609G>A (p.Met203Ile)

Gene: DRC2 (dynein regulatory complex subunit 2; plus strand). Cytogenetic location: 12q13.12.
Variant type: single nucleotide variant.
Coding change: c.609G>A on transcript NM_033124.5 (MANE Select); coding-DNA position 609, G replaced by A.
Protein change: p.Met203Ile; replaces methionine 203 with isoleucine.
Molecular consequence: missense variant.
Genome position (GRCh38, 1-based): chr12:48,917,108, G>A. VCF-style: chr12-48917108-G-A. GRCh37 (hg19) VCF-style: chr12-49310891-G-A.
Other names: c.180G>A, p.Met60Ile (NM_001286957.2); short protein forms M60I, M203I.
Identifiers: ClinVar variation 1465484 (VCV001465484.6), dbSNP rs1371178815, ClinGen allele CA384628961.

ClinVar aggregate classification (germline): Uncertain significance (1 of 4 stars; one submission).

Conditions:
Primary ciliary dyskinesia 27. Also called: CILIARY DYSKINESIA, PRIMARY, 27, WITHOUT SITUS INVERSUS. Identifiers: Orphanet 244, MedGen C3809701, MONDO:0014215, OMIM 615504.

Allele frequency attached by ClinVar (database versions not stated): gnomAD exomes below 0.00001 and 0.00001; TOPMed below 0.00001.
gnomAD v4.1: 9 of 1,613,840 alleles (0.00056%); highest among the groups gnomAD compares: Non-Finnish European, 0.00076%; no homozygotes.

Submission:

Labcorp Genetics (formerly Invitae), Labcorp
Classification: Uncertain significance for Primary ciliary dyskinesia 27. Last evaluated: 2021-11-27. Review status: criteria provided, single submitter. Criteria: Invitae Variant Classification Sherloc (09022015). Collection method: clinical testing. Allele origin: germline.
Comment: This sequence change replaces methionine, which is neutral and non-polar, with isoleucine, which is neutral and non-polar, at codon 203 of the CCDC65 protein (p.Met203Ile). This variant also falls at the last nucleotide of exon 4, which is part of the consensus splice site for this exon. This variant is present in population databases (no rsID available, gnomAD 0.0009%). This variant has not been reported in the literature in individuals affected with CCDC65-related conditions. Algorithms developed to predict the effect of missense changes on protein structure and function (SIFT, PolyPhen-2, Align-GVGD) all suggest that this variant is likely to be tolerated. Variants that disrupt the consensus splice site are a relatively common cause of aberrant splicing (PMID: 17576681, 9536098). Algorithms developed to predict the effect of sequence changes on RNA splicing suggest that this variant may disrupt the consensus splice site. In summary, the available evidence is currently insufficient to determine the role of this variant in disease. Therefore, it has been classified as a Variant of Uncertain Significance.

Literature cited by the submitters: PubMed 17576681; PubMed 9536098.